The following is an entry in ClinVar:

NM_000018.4(ACADVL):c.651C>A (p.Thr217=)

Gene: ACADVL (acyl-CoA dehydrogenase very long chain; plus strand). Cytogenetic location: 17p13.1.
Variant type: single nucleotide variant.
Coding change: c.651C>A on transcript NM_000018.4 (MANE Select); coding-DNA position 651, C replaced by A.
Protein change: p.Thr217=; no amino-acid change (threonine 217 retained).
Molecular consequence: synonymous variant.
Genome position (GRCh38, 1-based): chr17:7,221,980, C>A. VCF-style: chr17-7221980-C-A. GRCh37 (hg19) VCF-style: chr17-7125299-C-A.
Other names: c.585C>A, p.Thr195= (NM_001033859.3); c.720C>A, p.Thr240= (NM_001270447.2); c.423C>A, p.Thr141= (NM_001270448.2).
Identifiers: ClinVar variation 2130469 (VCV002130469.4), dbSNP rs764913196, ClinGen allele CA497693998.

ClinVar aggregate classification (germline): Uncertain significance (1 of 4 stars; one submission).

Conditions:
Very long chain acyl-CoA dehydrogenase deficiency (ACADVLD). Also called: Very Long-Chain Acyl-Coenzyme A Dehydrogenase Deficiency; VLCAD Deficiency. Identifiers: Orphanet 26793, MedGen C3887523, MONDO:0008723, OMIM 201475.

Submission:

Labcorp Genetics (formerly Invitae), Labcorp
Classification: Uncertain significance for Very long chain acyl-CoA dehydrogenase deficiency. Last evaluated: 2022-04-25. Review status: criteria provided, single submitter. Criteria: Invitae Variant Classification Sherloc (09022015). Collection method: clinical testing. Allele origin: germline.
Comment: This sequence change affects codon 217 of the ACADVL mRNA. It is a 'silent' change, meaning that it does not change the encoded amino acid sequence of the ACADVL protein. In summary, the available evidence is currently insufficient to determine the role of this variant in disease. Therefore, it has been classified as a Variant of Uncertain Significance. Algorithms developed to predict the effect of sequence changes on RNA splicing suggest that this variant may create or strengthen a splice site. This variant has not been reported in the literature in individuals affected with ACADVL-related conditions. This variant is not present in population databases (gnomAD no frequency).